The following is an entry in ClinVar:

ClinVar aggregate classification (germline): Likely benign. Review status: criteria provided, multiple submitters, no conflicts (2 of 4 stars). 3 submissions from 3 submitters: Likely benign (3). Last evaluated 2025-09-17.

Allele frequency attached by ClinVar (database versions not stated): ExAC 0.00002; TOPMed 0.00003; gnomAD 0.00004.
gnomAD v4.1: 137 of 1,614,078 alleles (0.0085%); highest among the groups gnomAD compares: Non-Finnish European, 0.011%; no homozygotes.

Submissions (3):

Labcorp Genetics (formerly Invitae), Labcorp
Classification: Likely benign. Last evaluated: 2025-09-17. Review status: criteria provided, single submitter. Criteria: Invitae Variant Classification Sherloc (09022015). Collection method: clinical testing. Allele origin: germline.

Blueprint Genetics
Classification: Likely benign. Last evaluated: 2024-04-25. Review status: criteria provided, single submitter. Criteria: ACMG Guidelines, 2015. Collection method: clinical testing. Allele origin: germline.

CeGaT Center for Human Genetics Tuebingen
Classification: Likely benign. Last evaluated: 2022-08-01. Review status: criteria provided, single submitter. Criteria: CeGaT Center For Human Genetics Tuebingen Variant Classification Criteria Version 2. Collection method: clinical testing. Allele origin: germline. Affected: yes. Observed: 1 variant allele.
Comment: MTOR: BP4

NM_004958.4(MTOR):c.6321G>A (p.Val2107=)

Gene: MTOR (mechanistic target of rapamycin kinase; minus strand). Cytogenetic location: 1p36.22.
Variant type: single nucleotide variant.
Coding change: c.6321G>A on transcript NM_004958.4 (MANE Select); coding-DNA position 6321, G replaced by A.
Protein change: p.Val2107=; no amino-acid change (valine 2107 retained).
Molecular consequence: synonymous variant.
Genome position (GRCh38, 1-based): chr1:11,127,040, C>T on the plus strand (G>A on the coding strand, the complement: MTOR is on the minus strand). VCF-style: chr1-11127040-C-T. GRCh37 (hg19) VCF-style: chr1-11187097-C-T.
Identifiers: ClinVar variation 701559 (VCV000701559.34), dbSNP rs777896603, ClinGen allele CA589126.